The following is an entry in ClinVar:

ClinVar aggregate classification (germline): Uncertain significance. Review status: criteria provided, multiple submitters, no conflicts (2 of 4 stars). 2 submissions from 2 submitters: Uncertain significance (2). Last evaluated 2025-08-08.

Conditions:
Inborn genetic diseases. Identifiers: MedGen C0950123, MeSH D030342.
Spongy degeneration of central nervous system. Also called: ACY2 DEFICIENCY; AMINOACYLASE 2 DEFICIENCY; ASP DEFICIENCY; ASPA DEFICIENCY; ASPARTOACYLASE DEFICIENCY; CANAVAN-VAN BOGAERT-BERTRAND DISEASE. Identifiers: Orphanet 141, MedGen C0206307, MONDO:0010079, OMIM 271900.

Allele frequency attached by ClinVar (database versions not stated): gnomAD exomes below 0.00001; gnomAD 0.00001; TOPMed 0.00001.
gnomAD v4.1: 2 of 1,605,644 alleles (0.00012%); highest among the groups gnomAD compares: Admixed American, 0.0034%; no homozygotes.

Submissions (2):

Ambry Genetics
Classification: Uncertain significance for Inborn genetic diseases. Last evaluated: 2025-08-08. Review status: criteria provided, single submitter. Criteria: Ambry Variant Classification Scheme 2023. Collection method: clinical testing. Allele origin: germline.

Labcorp Genetics (formerly Invitae), Labcorp
Classification: Uncertain significance for Spongy degeneration of central nervous system. Last evaluated: 2022-02-17. Review status: criteria provided, single submitter. Criteria: Invitae Variant Classification Sherloc (09022015). Collection method: clinical testing. Allele origin: germline.
Comment: This sequence change replaces histidine, which is basic and polar, with arginine, which is basic and polar, at codon 256 of the ASPA protein (p.His256Arg). This variant is not present in population databases (gnomAD no frequency). This variant has not been reported in the literature in individuals affected with ASPA-related conditions. Advanced modeling of protein sequence and biophysical properties (such as structural, functional, and spatial information, amino acid conservation, physicochemical variation, residue mobility, and thermodynamic stability) performed at Invitae indicates that this missense variant is not expected to disrupt ASPA protein function. In summary, the available evidence is currently insufficient to determine the role of this variant in disease. Therefore, it has been classified as a Variant of Uncertain Significance.

NM_000049.4(ASPA):c.767A>G (p.His256Arg)

Genes: ASPA (aspartoacylase; plus strand), SPATA22 (spermatogenesis associated 22; minus strand). Cytogenetic location: 17p13.2.
Variant type: single nucleotide variant.
Coding change: c.767A>G on transcript NM_000049.4 (MANE Select); coding-DNA position 767, A replaced by G.
Protein change: p.His256Arg; replaces histidine 256 with arginine.
Molecular consequence: missense variant. On other transcripts: intron variant (2).
Genome position (GRCh38, 1-based): chr17:3,498,913, A>G. VCF-style: chr17-3498913-A-G. GRCh37 (hg19) VCF-style: chr17-3402207-A-G.
Other names: c.767A>G, p.His256Arg (NM_001128085.1); c.-74+14499T>C (NM_001321336.2, NM_001321337.2); short protein forms H256R.
Identifiers: ClinVar variation 1385015 (VCV001385015.9), dbSNP rs2073954194, ClinGen allele CA397687311.